The following is an entry in ClinVar:

ClinVar aggregate classification (germline): Pathogenic (1 of 4 stars; one submission).

Submission:

Labcorp Genetics (formerly Invitae), Labcorp
Classification: Pathogenic. Last evaluated: 2022-02-17. Review status: criteria provided, single submitter. Criteria: Invitae Variant Classification Sherloc (09022015). Collection method: clinical testing. Allele origin: germline.
Comment: For these reasons, this variant has been classified as Pathogenic. This variant has not been reported in the literature in individuals affected with TRPM6-related conditions. This variant is not present in population databases (gnomAD no frequency). This sequence change creates a premature translational stop signal (p.Pro341Asnfs*18) in the TRPM6 gene. It is expected to result in an absent or disrupted protein product. Loss-of-function variants in TRPM6 are known to be pathogenic (PMID: 16107578).

Literature cited by the submitters: PubMed 16107578.

NM_017662.5(TRPM6):c.1021delinsAA (p.Pro341fs)

Gene: TRPM6 (transient receptor potential cation channel subfamily M member 6; minus strand). Cytogenetic location: 9q21.13.
Variant type: Indel.
Coding change: c.1021delinsAA on transcript NM_017662.5 (MANE Select); coding-DNA position 1021, C replaced by AA.
Protein change: p.Pro341fs; shifts the reading frame from proline 341.
Molecular consequence: frameshift variant.
Genome position (GRCh38, 1-based): chr9:74,820,417, G replaced by TT on the plus strand (C replaced by AA on the coding strand, the reverse complement: TRPM6 is on the minus strand). VCF-style: chr9-74820417-G-TT. GRCh37 (hg19) VCF-style: chr9-77435333-G-TT.
Other names: c.1006delinsAA, p.Pro336fs (NM_001177310.2, NM_001177311.2); short protein forms P341fs, P336fs.
Identifiers: ClinVar variation 2097845 (VCV002097845.4), dbSNP rs2490078901, ClinGen allele CA2580080569.